The following is an entry in ClinVar:

ClinVar aggregate classification (germline): Conflicting classifications of pathogenicity. Review status: criteria provided, conflicting classifications (1 of 4 stars). 5 submissions from 3 submitters: Uncertain significance (4); Likely benign (1). Last evaluated 2026-02-03.

Conditions:
Thrombophilia due to thrombin defect (THPH1). Also called: Thrombosis susceptibility; THROMBOPHILIA DUE TO FACTOR 2 DEFECT; Prothrombin-Related Thrombophilia (Factor II); Prothrombin Thrombophilia. Identifiers: MedGen C3160733, MONDO:0008559, OMIM 188050. Disease mechanism: gain of function, loss of function.
Congenital factor V deficiency. Also called: Hereditary factor V deficiency disease; LABILE FACTOR DEFICIENCY; PARAHEMOPHILIA; OWREN PARAHEMOPHILIA. Identifiers: Orphanet 326, MedGen C0015499, MONDO:0009210, OMIM 227400.
Budd-Chiari syndrome (BDCHS). Also called: Hepatic vein obstruction. Identifiers: Orphanet 131, MedGen C0856761, MONDO:0010947, OMIM 600880, HP:0002639.
Factor V deficiency. Also called: Reduced coagulation factor V activity. Identifiers: Orphanet 326, MedGen C4317320, MONDO:0020586, HP:0003225.

Allele frequency attached by ClinVar (database versions not stated): gnomAD exomes 0.00007 and 0.00021; 1000 Genomes Project 30x 0.00016; 1000 Genomes Project 0.00020; ExAC 0.00026; TOPMed 0.00077; gnomAD 0.00078 and 0.00081; ESP Exome Variant Server 0.00123.
gnomAD v4.1: 219 of 1,614,094 alleles (0.014%); highest among the groups gnomAD compares: African/African-American, 0.24%; no homozygotes.

Submissions (5):

Labcorp Genetics (formerly Invitae), Labcorp
Classification: Likely benign for Congenital factor V deficiency. Last evaluated: 2026-02-03. Review status: criteria provided, single submitter. Criteria: Invitae Variant Classification Sherloc (09022015). Collection method: clinical testing. Allele origin: germline.

Dasa
Classification: Uncertain significance. Last evaluated: 2025-10-14. Review status: criteria provided, single submitter. Criteria: DASA Assertion Criteria. Collection method: clinical testing. Allele origin: germline.
Comment: NM_000130.5(F5):c.4405T>C (p.Ser1469Pro) is a missense variant that results in the substitution of serine with proline. This classification is supported by population frequency inconsistent with a disease-causing role. The currently available literature and clinical evidence are not sufficient to establish a definitive association between this variant and the reported condition. Therefore, this variant is classified as a variant of uncertain significance.

Illumina Laboratory Services, Illumina
Classification: Uncertain significance for Budd-Chiari syndrome. Last evaluated: 2018-01-12. Review status: criteria provided, single submitter. Criteria: ICSL Variant Classification Criteria 13 December 2019. Collection method: clinical testing. Allele origin: germline.

Illumina Laboratory Services, Illumina
Classification: Uncertain significance for Venous thrombosis. Last evaluated: 2018-01-12. Review status: criteria provided, single submitter. Criteria: ICSL Variant Classification Criteria 13 December 2019. Collection method: clinical testing. Allele origin: germline.

Illumina Laboratory Services, Illumina
Classification: Uncertain significance for Congenital factor V deficiency. Last evaluated: 2018-01-12. Review status: criteria provided, single submitter. Criteria: ICSL Variant Classification Criteria 13 December 2019. Collection method: clinical testing. Allele origin: germline.

NM_000130.5(F5):c.4405T>C (p.Ser1469Pro)

Gene: F5 (coagulation factor V; minus strand). Cytogenetic location: 1q24.2.
Variant type: single nucleotide variant.
Coding change: c.4405T>C on transcript NM_000130.5 (MANE Select); coding-DNA position 4405, T replaced by C.
Protein change: p.Ser1469Pro; replaces serine 1469 with proline.
Molecular consequence: missense variant.
Genome position (GRCh38, 1-based): chr1:169,540,685, A>G on the plus strand (T>C on the coding strand, the complement: F5 is on the minus strand). VCF-style: chr1-169540685-A-G. GRCh37 (hg19) VCF-style: chr1-169509923-A-G.
Other names: short protein forms S1469P.
Identifiers: ClinVar variation 293595 (VCV000293595.16), dbSNP rs144262027, ClinGen allele CA1233700.